The following is an entry in ClinVar:

ClinVar aggregate classification (germline): Conflicting classifications of pathogenicity. Review status: criteria provided, conflicting classifications (1 of 4 stars). 3 submissions from 3 submitters: Uncertain significance (2); Likely benign (1). Last evaluated 2026-01-05.

Conditions:
Hereditary spastic paraplegia 30. Identifiers: Orphanet 101010, MedGen C5235139, MONDO:0012476.
Neuropathy, hereditary sensory, type 2C. Also called: Hereditary sensory and autonomic neuropathy type IIC; KIF1A-Related HSAN2 (HSAN2C). Identifiers: Orphanet 970, MedGen C3280168, MONDO:0013634, OMIM 614213.
Intellectual disability, autosomal dominant 9 (NESCAVS). Also called: KIF1A-Related Neurodevelopmental Disorder; NESCAV SYNDROME. Identifiers: Orphanet 662367, MedGen C5393830, MONDO:0013656, OMIM 614255.

Allele frequency attached by ClinVar (database versions not stated): gnomAD exomes 0.00003 and 0.00008; ExAC 0.00004; TOPMed 0.00004; gnomAD 0.00005 and 0.00006; ESP Exome Variant Server 0.00008.
gnomAD v4.1: 119 of 1,589,600 alleles (0.0075%); highest among the groups gnomAD compares: Non-Finnish European, 0.0098%; no homozygotes.

Submissions (3):

Labcorp Genetics (formerly Invitae), Labcorp
Classification: Likely benign for Hereditary spastic paraplegia 30; Neuropathy, hereditary sensory, type 2C; Intellectual disability, autosomal dominant 9. Last evaluated: 2026-01-05. Review status: criteria provided, single submitter. Criteria: Invitae Variant Classification Sherloc (09022015). Collection method: clinical testing. Allele origin: germline.

CeGaT Center for Human Genetics Tuebingen
Classification: Uncertain significance. Last evaluated: 2023-05-01. Review status: criteria provided, single submitter. Criteria: CeGaT Center For Human Genetics Tuebingen Variant Classification Criteria Version 2. Collection method: clinical testing. Allele origin: germline. Affected: yes. Observed: 1 variant allele.
Comment: KIF1A: PM2, PP2

GeneDx
Classification: Uncertain significance. Last evaluated: 2021-07-20. Review status: criteria provided, single submitter. Criteria: GeneDx Variant Classification Process June 2021. Collection method: clinical testing. Allele origin: germline. Affected: yes.
Comment: Has not been previously published as pathogenic or benign to our knowledge; In silico analysis supports that this missense variant has a deleterious effect on protein structure/function; This variant is associated with the following publications: (PMID: 26410750, 21376300, 26125038, 21820098, 27535533)

NM_001244008.2(KIF1A):c.3674C>G (p.Pro1225Arg)

Gene: KIF1A (kinesin family member 1A; minus strand). Cytogenetic location: 2q37.3.
Variant type: single nucleotide variant.
Coding change: c.3674C>G on transcript NM_001244008.2 (MANE Select); coding-DNA position 3674, C replaced by G.
Protein change: p.Pro1225Arg; replaces proline 1225 with arginine.
Molecular consequence: missense variant.
Genome position (GRCh38, 1-based): chr2:240,741,344, G>C on the plus strand (C>G on the coding strand, the complement: KIF1A is on the minus strand). VCF-style: chr2-240741344-G-C. GRCh37 (hg19) VCF-style: chr2-241680761-G-C.
Other names: c.3647C>G, p.Pro1216Arg (NM_001379642.1, NM_001379645.1, NM_001379633.1); c.3473C>G, p.Pro1158Arg (NM_001379646.1, NM_001330290.2, NM_001379634.1 and 1 more transcripts); c.3446C>G, p.Pro1149Arg (NM_001379648.1, NM_001379637.1); c.3371C>G, p.Pro1124Arg (NM_001379649.1, NM_001379650.1, NM_001379651.1 and 5 more transcripts); c.3398C>G, p.Pro1133Arg (NM_001320705.2, NM_001330289.2, NM_001379638.1); c.3749C>G, p.Pro1250Arg (NM_001379631.1); c.3623C>G, p.Pro1208Arg (NM_001379632.1); c.3368C>G, p.Pro1123Arg (NM_001379640.1); short protein forms P1124R, P1225R, P1158R, P1133R, P1123R, P1149R, P1208R, P1216R.
Identifiers: ClinVar variation 245871 (VCV000245871.39), dbSNP rs377389267, ClinGen allele CA2207703.